The following is an entry in ClinVar:

ClinVar aggregate classification (germline): Uncertain significance (1 of 4 stars; one submission).

Conditions:
PHIP-related disorder. Also called: PHIP-related disorders; PHIP-related condition.

Submission:

PreventionGenetics, part of Exact Sciences
Classification: Uncertain significance for PHIP-related condition. Last evaluated: 2025-01-09. Review status: criteria provided, single submitter. Criteria: ACMG Guidelines, 2015. Collection method: clinical testing. Allele origin: germline.
Comment: The PHIP c.3022G>A variant is predicted to result in the amino acid substitution p.Gly1008Ser. To our knowledge, this variant has not been reported in the literature or in a large population database (gnomAD), indicating this variant is rare. At this time, the clinical significance of this variant is uncertain due to the absence of conclusive functional and genetic evidence.

NM_017934.7(PHIP):c.3022G>A (p.Gly1008Ser)

Genes: IRAK1BP1 (interleukin 1 receptor associated kinase 1 binding protein 1; plus strand), PHIP (PHIP subunit of CUL4-Ring ligase complex; minus strand). Cytogenetic location: 6q14.1.
Variant type: single nucleotide variant.
Coding change: c.3022G>A on transcript NM_017934.7 (MANE Select); coding-DNA position 3022, G replaced by A.
Protein change: p.Gly1008Ser; replaces glycine 1008 with serine.
Molecular consequence: missense variant.
Genome position (GRCh38, 1-based): chr6:78,970,149, C>T on the plus strand (G>A on the coding strand, the complement: PHIP is on the minus strand). VCF-style: chr6-78970149-C-T. GRCh37 (hg19) VCF-style: chr6-79679866-C-T.
Other names: short protein forms G1008S.
Identifiers: ClinVar variation 5001872 (VCV005001872.1).